The following is an entry in ClinVar:

ClinVar aggregate classification (germline): Likely benign (1 of 4 stars; one submission).

Conditions:
Congenital glucose-galactose malabsorption (GGM). Also called: MONOSACCHARIDE MALABSORPTION; DIARRHEA 16. Identifiers: Orphanet 35710, MedGen C0268186, MONDO:0011731, OMIM 606824.

Allele frequency attached by ClinVar (database versions not stated): gnomAD 0.00002 and 0.00014; TOPMed 0.00005; ExAC 0.00051; 1000 Genomes Project 0.00120; gnomAD exomes 0.00021 and 0.00042; 1000 Genomes Project 30x 0.00125.

Submission:

Illumina Laboratory Services, Illumina
Classification: Likely benign for Congenital glucose-galactose malabsorption. Last evaluated: 2018-01-12. Review status: criteria provided, single submitter. Criteria: ICSL Variant Classification Criteria 13 December 2019. Collection method: clinical testing. Allele origin: germline.
Comment: This variant was observed in the ICSL laboratory as part of a predisposition screen in an ostensibly healthy population. It had not been previously curated by ICSL or reported in the Human Gene Mutation Database (HGMD: prior to June 1st, 2018), and was therefore a candidate for classification through an automated scoring system. Utilizing variant allele frequency, disease prevalence and penetrance estimates, and inheritance mode, an automated score was calculated to assess if this variant is too frequent to cause the disease. Based on the score and internal cut-off values, a variant classified as likely benign is not then subjected to further curation. The score for this variant resulted in a classification of likely benign for this disease.

NM_000343.3(SLC5A1):c.-36G>A

Gene: SLC5A1 (solute carrier family 5 member 1; plus strand). Cytogenetic location: 22q12.3.
Variant type: single nucleotide variant.
Coding change: c.-36G>A on transcript NM_000343.3; 36 bases upstream of the start codon, G replaced by A.
Genome position (GRCh38, 1-based): chr22:32,043,246, G>A. VCF-style: chr22-32043246-G-A. GRCh37 (hg19) VCF-style: chr22-32439233-G-A.
Identifiers: ClinVar variation 341231 (VCV000341231.7), dbSNP rs200961861, ClinGen allele CA10197798.